The following is an entry in ClinVar:

NM_001127222.2(CACNA1A):c.2435G>T (p.Arg812Leu)

Gene: CACNA1A (calcium voltage-gated channel subunit alpha1 A; minus strand). Cytogenetic location: 19p13.13.
Variant type: single nucleotide variant.
Coding change: c.2435G>T on transcript NM_001127222.2 (MANE Select); coding-DNA position 2435, G replaced by T.
Protein change: p.Arg812Leu; replaces arginine 812 with leucine.
Molecular consequence: missense variant.
Genome position (GRCh38, 1-based): chr19:13,299,198, C>A on the plus strand (G>T on the coding strand, the complement: CACNA1A is on the minus strand). VCF-style: chr19-13299198-C-A. GRCh37 (hg19) VCF-style: chr19-13410012-C-A.
Other names: c.2447G>T, p.Arg816Leu (NM_000068.4, NM_023035.3); c.2438G>T, p.Arg813Leu (NM_001127221.2, NM_001174080.2); short protein forms R813L, R812L, R816L.
Identifiers: ClinVar variation 574185 (VCV000574185.11), dbSNP rs953797733, ClinGen allele CA404343460.

ClinVar aggregate classification (germline): Uncertain significance. Review status: criteria provided, multiple submitters, no conflicts (2 of 4 stars). 2 submissions from 2 submitters: Uncertain significance (2). Last evaluated 2025-06-03.

Conditions:
Episodic ataxia type 2 (EA2). Also called: ACETAZOLAMIDE-RESPONSIVE HEREDITARY PAROXYSMAL CEREBELLAR ATAXIA; CEREBELLAR ATAXIA, PAROXYSMAL, ACETAZOLAMIDE-RESPONSIVE; CEREBELLOPATHY, HEREDITARY PAROXYSMAL; EPISODIC ATAXIA, NYSTAGMUS-ASSOCIATED; ATAXIA, EPISODIC, WITH NYSTAGMUS; ATAXIA, FAMILIAL PAROXYSMAL. Identifiers: Orphanet 97, MedGen C1720416, MONDO:0007163, OMIM 108500.
Developmental and epileptic encephalopathy, 42 (DEE42A). Also called: DEVELOPMENTAL AND EPILEPTIC ENCEPHALOPATHY 42A; EPILEPTIC ENCEPHALOPATHY, EARLY INFANTILE, 42A; Epileptic encephalopathy, early infantile, 42. Identifiers: MedGen C4310716, MONDO:0014917, OMIM 617106.
Inborn genetic diseases. Identifiers: MedGen C0950123, MeSH D030342.

gnomAD v4.1: 1 of 1,612,376 alleles (0.000062%); highest among the groups gnomAD compares: Middle Eastern, 0.016%; no homozygotes.

Submissions (2):

Labcorp Genetics (formerly Invitae), Labcorp
Classification: Uncertain significance for Developmental and epileptic encephalopathy, 42; Episodic ataxia type 2. Last evaluated: 2025-06-03. Review status: criteria provided, single submitter. Criteria: Invitae Variant Classification Sherloc (09022015). Collection method: clinical testing. Allele origin: germline.
Comment: This sequence change replaces arginine, which is basic and polar, with leucine, which is neutral and non-polar, at codon 813 of the CACNA1A protein (p.Arg813Leu). This variant is not present in population databases (gnomAD no frequency). This variant has not been reported in the literature in individuals affected with CACNA1A-related conditions. ClinVar contains an entry for this variant (Variation ID: 574185). Invitae Evidence Modeling of protein sequence and biophysical properties (such as structural, functional, and spatial information, amino acid conservation, physicochemical variation, residue mobility, and thermodynamic stability) indicates that this missense variant is not expected to disrupt CACNA1A protein function with a negative predictive value of 95%. In summary, the available evidence is currently insufficient to determine the role of this variant in disease. Therefore, it has been classified as a Variant of Uncertain Significance.

Ambry Genetics
Classification: Uncertain significance for Inborn genetic diseases. Last evaluated: 2019-02-02. Review status: criteria provided, single submitter. Criteria: Ambry Variant Classification Scheme 2023. Collection method: clinical testing. Allele origin: germline.
Comment: The p.R813L variant (also known as c.2438G>T), located in coding exon 19 of the CACNA1A gene, results from a G to T substitution at nucleotide position 2438. The arginine at codon 813 is replaced by leucine, an amino acid with dissimilar properties. This amino acid position is well conserved in available vertebrate species. In addition, this alteration is predicted to be deleterious by in silico analysis. Since supporting evidence is limited at this time, the clinical significance of this alteration remains unclear.